The following is an entry in ClinVar:

NM_001079872.2(CUL4B):c.2189_2190del (p.Phe730fs)

Gene: CUL4B (cullin 4B; minus strand). Cytogenetic location: Xq24.
Variant type: Deletion.
Coding change: c.2189_2190del on transcript NM_001079872.2 (MANE Select); coding-DNA positions 2189 to 2190, 2 bases deleted (TT; older notation c.2189_2190delTT).
Protein change: p.Phe730fs; shifts the reading frame from phenylalanine 730.
Molecular consequence: frameshift variant.
Genome position (GRCh38, 1-based): chrX:120,534,557-120,534,558, AA deleted on the plus strand (TT on the coding strand, the reverse complement: CUL4B is on the minus strand); deleting any 2 consecutive bases within chrX:120,534,557-120,534,561 gives the same sequence; the c. name uses the placement nearest the transcript's 3' end. VCF-style (leftmost placement, unchanged base first): chrX-120534556-GAA-G. GRCh37 (hg19) VCF-style: chrX-119668411-GAA-G.
Other names: c.2204_2205del, p.Phe735fs (NM_001330624.2); c.1655_1656del, p.Phe552fs (NM_001369145.1); c.2243_2244del, p.Phe748fs (NM_003588.4); c.2243_2244delTT (NM_003588.3); short protein forms F735fs, F552fs, F730fs, F748fs.
Identifiers: ClinVar variation 265671 (VCV000265671.2), dbSNP rs886039718, ClinGen allele CA10588738.

ClinVar aggregate classification (germline): Pathogenic (1 of 4 stars; one submission).

Submission:

GeneDx
Classification: Pathogenic. Last evaluated: 2017-05-26. Review status: criteria provided, single submitter. Criteria: GeneDx Variant Classification (06012015). Collection method: clinical testing. Allele origin: germline. Affected: yes.
Comment: The c.2243_2244delTT variant in the CUL4B gene has not been reported previously as a pathogenic variant nor as a benign variant, to our knowledge. The c.2243_2244delTT variant causes a frameshift starting with codon Phenylalanine 748, changes this amino acid to a Serine residue, and creates a premature Stop codon at position 9 of the new reading frame, denoted p.Phe748SerfsX9. This variant is predicted to cause loss of normal protein function either through protein truncation or nonsense-mediated mRNA decay. The c.2243_2244delTT variant was not observed in approximately 6500 individuals of European and African American ancestry in the NHLBI Exome Sequencing Project, indicating it is not a common benign variant in these populations. We interpret c.2243_2244delTT as a pathogenic variant.